The following is an entry in ClinVar:

NM_000254.3(MTR):c.-151C>T

Genes: MTR (5-methyltetrahydrofolate-homocysteine methyltransferase; plus strand), LOC129932885 (ATAC-STARR-seq lymphoblastoid active region 2826; plus strand). Cytogenetic location: 1q43.
Variant type: single nucleotide variant.
Coding change: c.-151C>T on transcript NM_000254.3 (MANE Select); 151 bases upstream of the start codon, C replaced by T.
Molecular consequence: 5 prime UTR variant.
Genome position (GRCh38, 1-based): chr1:236,795,553, C>T. VCF-style: chr1-236795553-C-T. GRCh37 (hg19) VCF-style: chr1-236958853-C-T.
Other names: c.-151C>T (NM_001291939.1); c.-1259C>T (NM_001291940.2).
Identifiers: ClinVar variation 296541 (VCV000296541.38), dbSNP rs41305572, ClinGen allele CA1473552.

ClinVar aggregate classification (germline): Benign/Likely benign. Review status: criteria provided, multiple submitters, no conflicts (2 of 4 stars). 4 submissions from 4 submitters: Benign (2); Likely benign (2). Last evaluated 2023-02-01.

Conditions:
Disorders of Intracellular Cobalamin Metabolism. Identifiers: MedGen CN043592.

Allele frequency attached by ClinVar (database versions not stated): 1000 Genomes Project 0.00200; 1000 Genomes Project 30x 0.00250; gnomAD exomes 0.00735; TOPMed 0.00765; gnomAD 0.00804 and 0.00828; ExAC 0.01640.
gnomAD v4.1: 17,855 of 1,543,408 alleles (1.2%); highest among the groups gnomAD compares: Non-Finnish European, 1.3%; 145 homozygotes.

Submissions (4):

CeGaT Center for Human Genetics Tuebingen
Classification: Benign. Last evaluated: 2023-02-01. Review status: criteria provided, single submitter. Criteria: CeGaT Center For Human Genetics Tuebingen Variant Classification Criteria Version 2. Collection method: clinical testing. Allele origin: germline. Affected: yes. Observed: 3 variant alleles.
Comment: MTR: BS1, BS2

GeneDx
Classification: Likely benign. Last evaluated: 2021-05-13. Review status: criteria provided, single submitter. Criteria: GeneDx Variant Classification Process June 2021. Collection method: clinical testing. Allele origin: germline. Affected: yes.

Illumina Laboratory Services, Illumina
Classification: Benign for Disorders of Intracellular Cobalamin Metabolism. Last evaluated: 2018-01-13. Review status: criteria provided, single submitter. Criteria: ICSL Variant Classification Criteria 13 December 2019. Collection method: clinical testing. Allele origin: germline.
Comment: This variant was observed in the ICSL laboratory as part of a predisposition screen in an ostensibly healthy population. It had not been previously curated by ICSL or reported in the Human Gene Mutation Database (HGMD: prior to June 1st, 2018), and was therefore a candidate for classification through an automated scoring system. Utilizing variant allele frequency, disease prevalence and penetrance estimates, and inheritance mode, an automated score was calculated to assess if this variant is too frequent to cause the disease. Based on the score and internal cut-off values, a variant classified as benign is not then subjected to further curation. The score for this variant resulted in a classification of benign for this disease.

Breakthrough Genomics
Classification: Likely benign. Review status: criteria provided, single submitter. Criteria: ACMG Guidelines, 2015. Collection method: not provided. Allele origin: germline. Inheritance: Autosomal recessive inheritance. Affected: yes.